The following is an entry in ClinVar:

ClinVar aggregate classification (germline): Likely benign. Review status: criteria provided, multiple submitters, no conflicts (2 of 4 stars). 3 submissions from 3 submitters: Likely benign (3). Last evaluated 2024-05-28.

Conditions:
Cardiomyopathy (CMYO). Also called: Cardiomyopathies. Identifiers: Orphanet 167848, MedGen C0878544, MONDO:0004994, HP:0001638. Inheritance: Various modes of inheritance.
Charcot-Marie-Tooth disease type 2. Also called: Charcot-Marie-Tooth type 2. Identifiers: Orphanet 64746, MedGen C0270914, MONDO:0018993.
Primary dilated cardiomyopathy (DCM). Also called: Dilated Cardiomyopathy. Identifiers: Orphanet 217604, MedGen C0007193, MeSH D002311, MONDO:0005021, HP:0001644. Inheritance: Various modes of inheritance.

Allele frequency attached by ClinVar (database versions not stated): gnomAD exomes 0.00001.

Submissions (3):

Labcorp Genetics (formerly Invitae), Labcorp
Classification: Likely benign for Charcot-Marie-Tooth disease type 2. Last evaluated: 2024-05-28. Review status: criteria provided, single submitter. Criteria: Invitae Variant Classification Sherloc (09022015). Collection method: clinical testing. Allele origin: germline.

All of Us Research Program, National Institutes of Health
Classification: Likely benign for Primary dilated cardiomyopathy. Last evaluated: 2024-05-14. Review status: criteria provided, single submitter. Criteria: ACMG Guidelines, 2015. Collection method: clinical testing. Allele origin: germline. Inheritance: Autosomal dominant inheritance. Observed: 3 variant alleles, 3 heterozygotes.
Comment: This study involves interpretation of variants in research participants for the purpose of population health screening. Participant phenotype was not available at the time of variant classification. Additional details can be found in publication PMID: 35346344, PMCID: PMC8962531

Color Diagnostics, LLC DBA Color Health
Classification: Likely benign for Cardiomyopathy. Last evaluated: 2021-09-15. Review status: criteria provided, single submitter. Criteria: ACMG Guidelines, 2015. Collection method: clinical testing. Allele origin: germline.

NM_170707.4(LMNA):c.207G>A (p.Val69=)

Gene: LMNA (lamin A/C; plus strand). Cytogenetic location: 1q22.
Variant type: single nucleotide variant.
Coding change: c.207G>A on transcript NM_170707.4 (MANE Select); coding-DNA position 207, G replaced by A.
Protein change: p.Val69=; no amino-acid change (valine 69 retained).
Molecular consequence: synonymous variant. On other transcripts: 5 prime UTR variant (8), intron variant (2).
Genome position (GRCh38, 1-based): chr1:156,115,125, G>A. VCF-style: chr1-156115125-G-A. GRCh37 (hg19) VCF-style: chr1-156084916-G-A.
Other names: c.207G>A, p.Val69= (NM_001282625.2, NM_001282626.2, NM_001406983.1 and 6 more transcripts); c.-217G>A (NM_001406986.1); c.-195G>A (NM_001406990.1, NM_001406995.1, NM_001407002.1); c.-458G>A (NM_001406994.1, NM_001407000.1); c.-638G>A (NM_001406999.1); c.-301G>A (NM_001407001.1); c.-203+8302G>A (NM_001406993.1, NM_001407003.1).
Identifiers: ClinVar variation 1924297 (VCV001924297.9), dbSNP rs886038801, ClinGen allele CA421257748.